The following is an entry in ClinVar:

ClinVar aggregate classification (germline): Benign. Review status: criteria provided, multiple submitters, no conflicts (2 of 4 stars). 4 submissions from 4 submitters: Benign (4). Last evaluated 2026-02-04.

Conditions:
Usher syndrome type 3B. Also called: USHER SYNDROME, TYPE IIIB. Identifiers: MedGen C3281066, MONDO:0013788, OMIM 614504.

Allele frequency attached by ClinVar (database versions not stated): 1000 Genomes Project 0.05731; 1000 Genomes Project 30x 0.05887; ESP Exome Variant Server 0.06766; TOPMed 0.07331; gnomAD 0.07354 and 0.07468; ExAC 0.07885; gnomAD exomes 0.07965.
gnomAD v4.1: 124,436 of 1,610,300 alleles (7.7%); highest among the groups gnomAD compares: Admixed American, 11%; 5,313 homozygotes.

Submissions (4):

Labcorp Genetics (formerly Invitae), Labcorp
Classification: Benign for Usher syndrome type 3B. Last evaluated: 2026-02-04. Review status: criteria provided, single submitter. Criteria: Invitae Variant Classification Sherloc (09022015). Collection method: clinical testing. Allele origin: germline.

GeneDx
Classification: Benign. Last evaluated: 2017-05-09. Review status: criteria provided, single submitter. Criteria: GeneDx Variant Classification (06012015). Collection method: clinical testing. Allele origin: germline. Affected: yes.
Comment: This variant is considered likely benign or benign based on one or more of the following criteria: it is a conservative change, it occurs at a poorly conserved position in the protein, it is predicted to be benign by multiple in silico algorithms, and/or has population frequency not consistent with disease.

Mayo Clinic Laboratories, Mayo Clinic
Classification: Benign. Last evaluated: 2016-04-12. Review status: criteria provided, single submitter. Criteria: ACMG Guidelines, 2015. Collection method: clinical testing. Allele origin: germline. Observed: 316 variant alleles.

Laboratory for Molecular Medicine, Mass General Brigham Personalized Medicine
Classification: Benign. Last evaluated: 2016-02-04. Review status: criteria provided, single submitter. Criteria: LMM Criteria. Collection method: clinical testing. Allele origin: germline. Observed: 45 variant alleles.
Comment: p.Cys196Cys in exon 6 of HARS: This variant is not expected to have clinical sig nificance because it does not alter an amino acid residue and is not located wit hin the splice consensus sequence. It has been identified in 8% (9547/121084) of pan ethnic chromosomes including over 400 homozygous individuals by the Exome A ggregation Consortium (ExAC; dbSNP rs2230361).

NM_002109.6(HARS1):c.588C>T (p.Cys196=)

Gene: HARS1 (histidyl-tRNA synthetase 1; minus strand). Cytogenetic location: 5q31.3.
Variant type: single nucleotide variant.
Coding change: c.588C>T on transcript NM_002109.6 (MANE Select); coding-DNA position 588, C replaced by T.
Protein change: p.Cys196=; no amino-acid change (cysteine 196 retained).
Molecular consequence: synonymous variant.
Genome position (GRCh38, 1-based): chr5:140,677,950, G>A on the plus strand (C>T on the coding strand, the complement: HARS1 is on the minus strand). VCF-style: chr5-140677950-G-A. GRCh37 (hg19) VCF-style: chr5-140057535-G-A.
Other names: p.Cys196=; c.468C>T, p.Cys156= (NM_001258040.3); c.528C>T, p.Cys176= (NM_001258041.3); c.408C>T, p.Cys136= (NM_001258042.3); c.366C>T, p.Cys122= (NM_001289092.2); c.246C>T, p.Cys82= (NM_001289093.2); c.501C>T, p.Cys167= (NM_001289094.2).
Identifiers: ClinVar variation 226651 (VCV000226651.15), dbSNP rs2230361, ClinGen allele CA3444063.